The following is an entry in ClinVar:

ClinVar aggregate classification (germline): Likely benign. Review status: criteria provided, multiple submitters, no conflicts (2 of 4 stars). 3 submissions from 3 submitters: Likely benign (2). 1 of the submissions does not count toward it. Last evaluated 2023-10-05.

Conditions:
PHF6-related disorder. Also called: PHF6-related condition.
Borjeson-Forssman-Lehmann syndrome (BFLS). Also called: MENTAL RETARDATION, X-LINKED, SYNDROMIC, BORJESON-FORSSMAN-LEHMANN TYPE; MENTAL RETARDATION, EPILEPSY, AND ENDOCRINE DISORDERS; BORJESON SYNDROME. Identifiers: Orphanet 127, MedGen C0265339, MONDO:0010537, OMIM 301900.

Allele frequency attached by ClinVar (database versions not stated): gnomAD exomes 0.00001 and 0.00009; ExAC 0.00002; TOPMed 0.00003; gnomAD 0.00004; ESP Exome Variant Server 0.00009.
gnomAD v4.1: 99 of 1,209,682 alleles (0.0082%); highest among the groups gnomAD compares: Non-Finnish European, 0.011%; no homozygotes.

Submissions (3):

Blueprint Genetics
Classification: Likely benign. Last evaluated: 2023-10-05. Review status: criteria provided, single submitter. Criteria: ACMG Guidelines, 2015. Collection method: clinical testing. Allele origin: germline.

Labcorp Genetics (formerly Invitae), Labcorp
Classification: Likely benign for Borjeson-Forssman-Lehmann syndrome. Last evaluated: 2022-02-28. Review status: criteria provided, single submitter. Criteria: Invitae Variant Classification Sherloc (09022015). Collection method: clinical testing. Allele origin: germline.

PreventionGenetics, part of Exact Sciences
Classification: Likely benign for PHF6-related condition. Last evaluated: 2024-05-27. Review status: no assertion criteria provided. Collection method: clinical testing. Allele origin: germline. Not counted in ClinVar's aggregate classification.
Comment: This variant is classified as likely benign based on ACMG/AMP sequence variant interpretation guidelines (Richards et al. 2015 PMID: 25741868, with internal and published modifications).

NM_001015877.2(PHF6):c.528A>G (p.Ser176=)

Gene: PHF6 (PHD finger protein 6; plus strand). Cytogenetic location: Xq26.2.
Variant type: single nucleotide variant.
Coding change: c.528A>G on transcript NM_001015877.2 (MANE Select); coding-DNA position 528, A replaced by G.
Protein change: p.Ser176=; no amino-acid change (serine 176 retained).
Molecular consequence: synonymous variant.
Genome position (GRCh38, 1-based): chrX:134,413,600, A>G. VCF-style: chrX-134413600-A-G. GRCh37 (hg19) VCF-style: chrX-133547630-A-G.
Other names: c.531A>G, p.Ser177= (NM_032335.3); c.528A>G, p.Ser176= (NM_032458.3).
Identifiers: ClinVar variation 756547 (VCV000756547.10), dbSNP rs150815514, ClinGen allele CA10521230.